The following is an entry in ClinVar:

NM_005477.3(HCN4):c.220G>A (p.Ala74Thr)

Gene: HCN4 (hyperpolarization activated cyclic nucleotide gated potassium channel 4; minus strand). Cytogenetic location: 15q24.1.
Variant type: single nucleotide variant.
Coding change: c.220G>A on transcript NM_005477.3 (MANE Select); coding-DNA position 220, G replaced by A.
Protein change: p.Ala74Thr; replaces alanine 74 with threonine.
Molecular consequence: missense variant.
Genome position (GRCh38, 1-based): chr15:73,368,051, C>T on the plus strand (G>A on the coding strand, the complement: HCN4 is on the minus strand). VCF-style: chr15-73368051-C-T. GRCh37 (hg19) VCF-style: chr15-73660392-C-T.
Other names: short protein forms A74T.
Identifiers: ClinVar variation 2091597 (VCV002091597.4), dbSNP rs2549080586, ClinGen allele CA393098682.
Genomic context (GRCh38, chr15:73,368,051, plus strand): 5'-TGCAGTCGCCGTTCGTGCTGGACTTGCCCGCGCCGCGGGCCGGCCCTTCGCTGTCCGCTG[C>T]CCCGAGGGCCGAGCTCCGGGACTCCGTGCCACCCGCGGCCGCCGAGGGGGAGGGCGAGGG-3'
Protein context (NP_005468.1, residues 64-84): GTESRSSALG[Ala74Thr]ADSEGPARGA

ClinVar aggregate classification (germline): Uncertain significance (1 of 4 stars; one submission).

Conditions:
Brugada syndrome 8 (BRGDA8). Identifiers: Orphanet 130, MedGen C2751083, MONDO:0013148, OMIM 613123.

Submission:

Labcorp Genetics (formerly Invitae), Labcorp
Classification: Uncertain significance for Brugada syndrome 8. Last evaluated: 2022-02-01. Review status: criteria provided, single submitter. Criteria: Invitae Variant Classification Sherloc (09022015). Collection method: clinical testing. Allele origin: germline.
Comment: In summary, the available evidence is currently insufficient to determine the role of this variant in disease. Therefore, it has been classified as a Variant of Uncertain Significance. Advanced modeling of protein sequence and biophysical properties (such as structural, functional, and spatial information, amino acid conservation, physicochemical variation, residue mobility, and thermodynamic stability) performed at Invitae indicates that this missense variant is not expected to disrupt HCN4 protein function. This variant has not been reported in the literature in individuals affected with HCN4-related conditions. This variant is not present in population databases (gnomAD no frequency). This sequence change replaces alanine, which is neutral and non-polar, with threonine, which is neutral and polar, at codon 74 of the HCN4 protein (p.Ala74Thr).